The following is an entry in ClinVar:

NM_001014987.2(LAT):c.428C>T (p.Thr143Ile)

Gene: LAT (linker for activation of T cells; plus strand). Cytogenetic location: 16p11.2.
Variant type: single nucleotide variant.
Coding change: c.428C>T on transcript NM_001014987.2 (MANE Select); coding-DNA position 428, C replaced by T.
Protein change: p.Thr143Ile; replaces threonine 143 with isoleucine.
Molecular consequence: missense variant.
Genome position (GRCh38, 1-based): chr16:28,986,828, C>T. VCF-style: chr16-28986828-C-T. GRCh37 (hg19) VCF-style: chr16-28998149-C-T.
Other names: c.425C>T, p.Thr142Ile (NM_001014988.2); c.536C>T, p.Thr179Ile (NM_001014989.2); c.515C>T, p.Thr172Ile (NM_014387.4); short protein forms T142I, T172I, T179I, T143I.
Identifiers: ClinVar variation 2084707 (VCV002084707.5), dbSNP rs373418202, ClinGen allele CA7990015.

ClinVar aggregate classification (germline): Uncertain significance. Review status: criteria provided, multiple submitters, no conflicts (2 of 4 stars). 3 submissions from 3 submitters: Uncertain significance (3). Last evaluated 2024-07-10.

Allele frequency attached by ClinVar (database versions not stated): gnomAD exomes 0.00002; gnomAD 0.00003; TOPMed 0.00003; ExAC 0.00006; ESP Exome Variant Server 0.00008.
gnomAD v4.1: 40 of 1,614,036 alleles (0.0025%); highest among the groups gnomAD compares: Middle Eastern, 0.033%; no homozygotes.

Submissions (3):

Blueprint Genetics
Classification: Uncertain significance. Last evaluated: 2024-07-10. Review status: criteria provided, single submitter. Criteria: ACMG Guidelines, 2015. Collection method: clinical testing. Allele origin: germline.

Ambry Genetics
Classification: Uncertain significance. Last evaluated: 2024-04-23. Review status: criteria provided, single submitter. Criteria: Ambry Variant Classification Scheme 2023. Collection method: clinical testing. Allele origin: germline.

Labcorp Genetics (formerly Invitae), Labcorp
Classification: Uncertain significance. Last evaluated: 2022-12-06. Review status: criteria provided, single submitter. Criteria: Invitae Variant Classification Sherloc (09022015). Collection method: clinical testing. Allele origin: germline.
Comment: In summary, the available evidence is currently insufficient to determine the role of this variant in disease. Therefore, it has been classified as a Variant of Uncertain Significance. Algorithms developed to predict the effect of missense changes on protein structure and function are either unavailable or do not agree on the potential impact of this missense change (SIFT: "Deleterious"; PolyPhen-2: "Benign"; Align-GVGD: "Class C15"). This variant has not been reported in the literature in individuals affected with LAT-related conditions. This variant is present in population databases (rs373418202, gnomAD 0.01%). This sequence change replaces threonine, which is neutral and polar, with isoleucine, which is neutral and non-polar, at codon 143 of the LAT protein (p.Thr143Ile).